The following is an entry in ClinVar:

NM_005546.4(ITK):c.810A>G (p.Ala270=)

Gene: ITK (IL2 inducible T cell kinase; plus strand). Cytogenetic location: 5q33.3.
Variant type: single nucleotide variant.
Coding change: c.810A>G on transcript NM_005546.4 (MANE Select); coding-DNA position 810, A replaced by G.
Protein change: p.Ala270=; no amino-acid change (alanine 270 retained).
Molecular consequence: synonymous variant.
Genome position (GRCh38, 1-based): chr5:157,238,150, A>G. VCF-style: chr5-157238150-A-G. GRCh37 (hg19) VCF-style: chr5-156665160-A-G.
Identifiers: ClinVar variation 1694291 (VCV001694291.8), dbSNP rs750585884, ClinGen allele CA3532904.

ClinVar aggregate classification (germline): Conflicting classifications of pathogenicity. Review status: criteria provided, conflicting classifications (1 of 4 stars). 3 submissions from 3 submitters: Uncertain significance (1); Likely benign (1). 1 of the submissions does not count toward it. Last evaluated 2026-01-24.

Conditions:
Autoinflammatory syndrome. Identifiers: Orphanet 93665, MedGen C3890737, MONDO:0019751.
ITK-related disorder. Also called: ITK-related condition.
Lymphoproliferative syndrome 1 (LPFS1). Identifiers: Orphanet 238505, Orphanet 538963, MedGen C3552634, MONDO:0013081, OMIM 613011.

Allele frequency attached by ClinVar (database versions not stated): gnomAD exomes below 0.00001 and 0.00001; ExAC 0.00002; TOPMed 0.00002.
gnomAD v4.1: 11 of 1,613,978 alleles (0.00068%); highest among the groups gnomAD compares: East Asian, 0.0067%; 1 homozygote.

Submissions (3):

Labcorp Genetics (formerly Invitae), Labcorp
Classification: Likely benign for Lymphoproliferative syndrome 1. Last evaluated: 2026-01-24. Review status: criteria provided, single submitter. Criteria: Invitae Variant Classification Sherloc (09022015). Collection method: clinical testing. Allele origin: germline.

Genome Diagnostics Laboratory, The Hospital for Sick Children
Classification: Uncertain significance for Autoinflammatory syndrome. Last evaluated: 2017-10-02. Review status: criteria provided, single submitter. Criteria: ACMG Guidelines, 2015. Collection method: clinical testing. Allele origin: germline. Affected: yes.

PreventionGenetics, part of Exact Sciences
Classification: Likely benign for ITK-related condition. Last evaluated: 2021-02-09. Review status: no assertion criteria provided. Collection method: clinical testing. Allele origin: germline. Not counted in ClinVar's aggregate classification.
Comment: This variant is classified as likely benign based on ACMG/AMP sequence variant interpretation guidelines (Richards et al. 2015 PMID: 25741868, with internal and published modifications).